The following is an entry in ClinVar:

NM_178013.4(PRIMA1):c.313G>A (p.Val105Met)

Gene: PRIMA1 (proline rich membrane anchor 1; minus strand). Cytogenetic location: 14q32.12.
Variant type: single nucleotide variant.
Coding change: c.313G>A on transcript NM_178013.4 (MANE Select); coding-DNA position 313, G replaced by A.
Protein change: p.Val105Met; replaces valine 105 with methionine.
Molecular consequence: missense variant.
Genome position (GRCh38, 1-based): chr14:93,737,287, C>T on the plus strand (G>A on the coding strand, the complement: PRIMA1 is on the minus strand). VCF-style: chr14-93737287-C-T. GRCh37 (hg19) VCF-style: chr14-94203633-C-T.
Other names: short protein forms V105M.
Identifiers: ClinVar variation 1478746 (VCV001478746.5), dbSNP rs933720150, ClinGen allele CA265804512.

ClinVar aggregate classification (germline): Uncertain significance (1 of 4 stars; one submission).

Conditions:
Familial sleep-related hypermotor epilepsy. Also called: Autosomal Dominant Sleep-Related Hypermotor (Hyperkinetic) Epilepsy. Identifiers: Orphanet 98784, MedGen C3696898, MONDO:0000030.

Allele frequency attached by ClinVar (database versions not stated): gnomAD exomes below 0.00001.
gnomAD v4.1: 3 of 1,614,108 alleles (0.00019%); highest among the groups gnomAD compares: Non-Finnish European, 0.00017%; no homozygotes.

Submission:

Labcorp Genetics (formerly Invitae), Labcorp
Classification: Uncertain significance for Familial sleep-related hypermotor epilepsy. Last evaluated: 2021-08-26. Review status: criteria provided, single submitter. Criteria: Invitae Variant Classification Sherloc (09022015). Collection method: clinical testing. Allele origin: germline.
Comment: This sequence change replaces valine with methionine at codon 105 of the PRIMA1 protein (p.Val105Met). The valine residue is highly conserved and there is a small physicochemical difference between valine and methionine. This variant is not present in population databases (ExAC no frequency). This variant has not been reported in the literature in individuals affected with PRIMA1-related conditions. Algorithms developed to predict the effect of missense changes on protein structure and function are either unavailable or do not agree on the potential impact of this missense change (SIFT: "Deleterious"; PolyPhen-2: "Possibly Damaging"; Align-GVGD: "Class C0"). In summary, the available evidence is currently insufficient to determine the role of this variant in disease. Therefore, it has been classified as a Variant of Uncertain Significance.